The following is an entry in ClinVar:

ClinVar aggregate classification (germline): Uncertain significance. Review status: criteria provided, multiple submitters, no conflicts (2 of 4 stars). 2 submissions from 2 submitters: Uncertain significance (2). Last evaluated 2026-08-01.

Conditions:
RYR1-related disorder. Also called: RYR1-related condition; RYR1-related disorders. Identifiers: MedGen CN239331.

Submissions (2):

CeGaT Center for Human Genetics Tuebingen
Classification: Uncertain significance. Last evaluated: 2026-08-01. Review status: criteria provided, single submitter. Criteria: CeGaT Center For Human Genetics Tuebingen Variant Classification Criteria Version 2. Collection method: clinical testing. Allele origin: germline. Affected: yes. Observed: 1 variant allele.
Comment: RYR1: PM2

Labcorp Genetics (formerly Invitae), Labcorp
Classification: Uncertain significance for RYR1-related disorder. Last evaluated: 2025-07-06. Review status: criteria provided, single submitter. Criteria: Invitae Variant Classification Sherloc (09022015). Collection method: clinical testing. Allele origin: germline.
Comment: This sequence change replaces valine, which is neutral and non-polar, with glycine, which is neutral and non-polar, at codon 1765 of the RYR1 protein (p.Val1765Gly). This variant is not present in population databases (gnomAD no frequency). This variant has not been reported in the literature in individuals affected with RYR1-related conditions. Invitae Evidence Modeling of protein sequence and biophysical properties (such as structural, functional, and spatial information, amino acid conservation, physicochemical variation, residue mobility, and thermodynamic stability) indicates that this missense variant is not expected to disrupt RYR1 protein function with a negative predictive value of 80%. In summary, the available evidence is currently insufficient to determine the role of this variant in disease. Therefore, it has been classified as a Variant of Uncertain Significance.

NM_000540.3(RYR1):c.5294T>G (p.Val1765Gly)

Gene: RYR1 (ryanodine receptor 1; plus strand). Cytogenetic location: 19q13.2.
Variant type: single nucleotide variant.
Coding change: c.5294T>G on transcript NM_000540.3 (MANE Select); coding-DNA position 5294, T replaced by G.
Protein change: p.Val1765Gly; replaces valine 1765 with glycine.
Molecular consequence: missense variant.
Genome position (GRCh38, 1-based): chr19:38,485,949, T>G. VCF-style: chr19-38485949-T-G. GRCh37 (hg19) VCF-style: chr19-38976589-T-G.
Other names: c.5294T>G, p.Val1765Gly (NM_001042723.2); short protein forms V1765G.
Identifiers: ClinVar variation 4698095 (VCV004698095.2).